The following is an entry in ClinVar:

ClinVar aggregate classification (germline): Uncertain significance (1 of 4 stars; one submission).

Conditions:
Tumor predisposition syndrome 3 (TPDS3). Also called: Melanoma, cutaneous malignant, susceptibility to, 10; Glioma susceptibility 9; LONG TELOMERE SYNDROME, POT1-RELATED; POT1 Tumor Predisposition. Identifiers: Orphanet 618, MedGen C4014476, MONDO:0014368, OMIM 615848.

Submission:

Labcorp Genetics (formerly Invitae), Labcorp
Classification: Uncertain significance for Tumor predisposition syndrome 3. Last evaluated: 2025-05-21. Review status: criteria provided, single submitter. Criteria: Invitae Variant Classification Sherloc (09022015). Collection method: clinical testing. Allele origin: germline.
Comment: This sequence change replaces isoleucine, which is neutral and non-polar, with leucine, which is neutral and non-polar, at codon 463 of the POT1 protein (p.Ile463Leu). This variant is not present in population databases (gnomAD no frequency). This variant has not been reported in the literature in individuals affected with POT1-related conditions. ClinVar contains an entry for this variant (Variation ID: 1994572). Invitae Evidence Modeling of protein sequence and biophysical properties (such as structural, functional, and spatial information, amino acid conservation, physicochemical variation, residue mobility, and thermodynamic stability) indicates that this missense variant is not expected to disrupt POT1 protein function with a negative predictive value of 80%. In summary, the available evidence is currently insufficient to determine the role of this variant in disease. Therefore, it has been classified as a Variant of Uncertain Significance.

NM_015450.3(POT1):c.1387A>C (p.Ile463Leu)

Gene: POT1 (protection of telomeres 1; minus strand). Cytogenetic location: 7q31.33.
Variant type: single nucleotide variant.
Coding change: c.1387A>C on transcript NM_015450.3 (MANE Select); coding-DNA position 1387, A replaced by C.
Protein change: p.Ile463Leu; replaces isoleucine 463 with leucine.
Molecular consequence: missense variant. On other transcripts: non-coding transcript variant (3).
Genome position (GRCh38, 1-based): chr7:124,835,397, T>G on the plus strand (A>C on the coding strand, the complement: POT1 is on the minus strand). VCF-style: chr7-124835397-T-G. GRCh37 (hg19) VCF-style: chr7-124475451-T-G.
Other names: c.994A>C, p.Ile332Leu (NM_001042594.2); short protein forms I332L, I463L.
Identifiers: ClinVar variation 1994572 (VCV001994572.4), dbSNP rs2485374872, ClinGen allele CA369066023.
Genomic context (GRCh38, chr7:124,835,397, plus strand): 5'-GGTCTTCGTGGCCAGATCTCACAGGAATTACACTATTAAACTTGTTCGAGAGTTTGCAAA[T>G]TTCACTGAGTGTACCTCCTGTTAAGAGAATAAATAAATCCTTCAAGTAGTGCAAATAAAA-3'
Protein context (NP_056265.2, residues 453-473): LLIEGGTLSE[Ile463Leu]CKLSNKFNSV